The following is an entry in ClinVar:

ClinVar aggregate classification (germline): Benign. Review status: criteria provided, multiple submitters, no conflicts (2 of 4 stars). 4 submissions from 4 submitters: Benign (3). 1 of the submissions does not count toward it. Last evaluated 2026-09-01.

Conditions:
TIAM1-related disorder. Also called: TIAM1-related condition.

Allele frequency attached by ClinVar (database versions not stated): 1000 Genomes Project 30x 0.00390; 1000 Genomes Project 0.00459; TOPMed 0.00719; ExAC 0.00839; gnomAD exomes 0.00859 and 0.01066; gnomAD 0.00892 and 0.00922; ESP Exome Variant Server 0.00923.
gnomAD v4.1: 16,904 of 1,614,064 alleles (1%); highest among the groups gnomAD compares: Non-Finnish European, 1.2%; 122 homozygotes.

Submissions (4):

CeGaT Center for Human Genetics Tuebingen
Classification: Benign. Last evaluated: 2026-09-01. Review status: criteria provided, single submitter. Criteria: CeGaT Center For Human Genetics Tuebingen Variant Classification Criteria Version 2. Collection method: clinical testing. Allele origin: germline. Affected: yes. Observed: 24 variant alleles.
Comment: TIAM1: BS1, BS2

Labcorp Genetics (formerly Invitae), Labcorp
Classification: Benign. Last evaluated: 2018-04-09. Review status: criteria provided, single submitter. Criteria: Invitae Variant Classification Sherloc (09022015). Collection method: clinical testing. Allele origin: germline.

Breakthrough Genomics
Classification: Benign. Review status: criteria provided, single submitter. Criteria: ACMG Guidelines, 2015. Collection method: not provided. Allele origin: germline. Inheritance: Autosomal recessive inheritance. Affected: yes.

PreventionGenetics, part of Exact Sciences
Classification: Benign for TIAM1-related condition. Last evaluated: 2024-04-23. Review status: no assertion criteria provided. Collection method: clinical testing. Allele origin: germline. Not counted in ClinVar's aggregate classification.
Comment: This variant is classified as benign based on ACMG/AMP sequence variant interpretation guidelines (Richards et al. 2015 PMID: 25741868, with internal and published modifications).

NM_001353694.2(TIAM1):c.92G>A (p.Arg31His)

Gene: TIAM1 (TIAM Rac1 associated GEF 1; minus strand). Cytogenetic location: 21q22.11.
Variant type: single nucleotide variant.
Coding change: c.92G>A on transcript NM_001353694.2 (MANE Select); coding-DNA position 92, G replaced by A.
Protein change: p.Arg31His; replaces arginine 31 with histidine.
Molecular consequence: missense variant.
Genome position (GRCh38, 1-based): chr21:31,266,881, C>T on the plus strand (G>A on the coding strand, the complement: TIAM1 is on the minus strand). VCF-style: chr21-31266881-C-T. GRCh37 (hg19) VCF-style: chr21-32639197-C-T.
Other names: c.92G>A, p.Arg31His (NM_001353686.2, NM_001353687.2, NM_001353688.1 and 6 more transcripts); short protein forms R31H.
Identifiers: ClinVar variation 777301 (VCV000777301.27), dbSNP rs141720377, ClinGen allele CA9998745.